The following is an entry in ClinVar:

ClinVar aggregate classification (germline): Uncertain significance (1 of 4 stars; one submission).

Conditions:
Oligodontia-cancer predisposition syndrome. Also called: TOOTH AGENESIS-COLORECTAL CANCER SYNDROME. Identifiers: Orphanet 300576, MedGen C1837750, MONDO:0012075, OMIM 608615. Disease mechanism: loss of function.

Allele frequency attached by ClinVar (database versions not stated): gnomAD exomes 0.00004; TOPMed 0.00008; gnomAD 0.00010 and 0.00011.
gnomAD v4.1: 22 of 287,668 alleles (0.0076%); highest among the groups gnomAD compares: Admixed American, 0.019%; no homozygotes.

Submission:

Illumina Laboratory Services, Illumina
Classification: Uncertain significance for Oligodontia-cancer predisposition syndrome. Last evaluated: 2017-04-27. Review status: criteria provided, single submitter. Criteria: ICSL Variant Classification Criteria 13 December 2019. Collection method: clinical testing. Allele origin: germline.
Comment: This variant was observed as part of a predisposition screen in an ostensibly healthy population. A literature search was performed for the gene, cDNA change, and amino acid change (where applicable). Publications were found based on this search. However, the evidence from the literature, in combination with allele frequency data from public databases where available, was not sufficient to rule this variant in or out of causing disease. Therefore, this variant is classified as a variant of unknown significance.

Literature cited by the submitters: PubMed 27234654.

NM_004655.4(AXIN2):c.*489C>T

Gene: AXIN2 (axin 2; minus strand). Cytogenetic location: 17q24.1.
Variant type: single nucleotide variant.
Coding change: c.*489C>T on transcript NM_004655.4 (MANE Select); 489 bases downstream of the stop codon, C replaced by T.
Molecular consequence: 3 prime UTR variant.
Genome position (GRCh38, 1-based): chr17:65,529,487, G>A on the plus strand (C>T on the coding strand, the complement: AXIN2 is on the minus strand). VCF-style: chr17-65529487-G-A. GRCh37 (hg19) VCF-style: chr17-63525605-G-A.
Other names: c.*489C>T (NM_001363813.1).
Identifiers: ClinVar variation 889589 (VCV000889589.4), dbSNP rs763712300, ClinGen allele CA293090504.